The following is an entry in ClinVar:

NM_001267550.2(TTN):c.70210_70223delinsTTTACTCTTC (p.Glu23404fs)

Genes: TTN-AS1 (TTN antisense RNA 1; plus strand), TTN (titin; minus strand), LOC126806422 (BRD4-independent group 4 enhancer GRCh37_chr2:179440205-179441404; plus strand). Cytogenetic location: 2q31.2.
Variant type: Indel.
Coding change: c.70210_70223delinsTTTACTCTTC on transcript NM_001267550.2 (MANE Select); coding-DNA positions 70210 to 70223, GAATGTAACAGATA replaced by TTTACTCTTC.
Protein change: p.Glu23404fs; shifts the reading frame from glutamic acid 23404.
Molecular consequence: frameshift variant.
Genome position (GRCh38, 1-based): chr2:178,575,909-178,575,922, TATCTGTTACATTC replaced by GAAGAGTAAA on the plus strand (GAATGTAACAGATA replaced by TTTACTCTTC on the coding strand, the reverse complement: TTN is on the minus strand). VCF-style: chr2-178575909-TATCTGTTACATTC-GAAGAGTAAA. GRCh37 (hg19) VCF-style: chr2-179440636-TATCTGTTACATTC-GAAGAGTAAA.
Other names: c.43015_43028delGAATGTAACAGATAinsTTTACTCTTC (NM_003319.4); c.65287_65300delinsTTTACTCTTC, p.Glu21763fs (NM_001256850.1); c.43015_43028delinsTTTACTCTTC, p.Glu14339fs (NM_003319.4); c.62506_62519delinsTTTACTCTTC, p.Glu20836fs (NM_133378.4); c.43390_43403delinsTTTACTCTTC, p.Glu14464fs (NM_133432.3); c.43591_43604delinsTTTACTCTTC, p.Glu14531fs (NM_133437.4); short protein forms E20836fs, E21763fs, E23404fs, E14339fs, E14464fs, E14531fs.
Identifiers: ClinVar variation 518938 (VCV000518938.9), dbSNP rs1553614347, ClinGen allele CA658796005.

ClinVar aggregate classification (germline): Likely pathogenic. Review status: criteria provided, multiple submitters, no conflicts (2 of 4 stars). 2 submissions from 2 submitters: Likely pathogenic (2). Last evaluated 2023-08-04.

Conditions:
Cardiovascular phenotype. Identifiers: MedGen CN230736.
Dilated cardiomyopathy 1G (CMD1G). Identifiers: Orphanet 154, MedGen C1858763, MONDO:0011400, OMIM 604145.
Autosomal recessive limb-girdle muscular dystrophy type 2J (LGMDR10). Also called: Limb-girdle muscular dystrophy, type 2J; MUSCULAR DYSTROPHY, LIMB-GIRDLE, AUTOSOMAL RECESSIVE 10. Identifiers: Orphanet 140922, MedGen C1837342, MONDO:0012127, OMIM 608807.

Submissions (2):

Labcorp Genetics (formerly Invitae), Labcorp
Classification: Likely pathogenic for Dilated cardiomyopathy 1G; Autosomal recessive limb-girdle muscular dystrophy type 2J. Last evaluated: 2023-08-04. Review status: criteria provided, single submitter. Criteria: Invitae Variant Classification Sherloc (09022015). Collection method: clinical testing. Allele origin: germline.
Comment: In summary, the currently available evidence indicates that the variant is pathogenic, but additional data are needed to prove that conclusively. Therefore, this variant has been classified as Likely Pathogenic. This sequence change creates a premature translational stop signal (p.Glu23404Phefs*11) in the TTN gene. While this is not anticipated to result in nonsense mediated decay, it is expected to create a truncated TTN protein. Information on the frequency of this variant in the gnomAD database is not available, as this variant may be reported differently in the database. This premature translational stop signal has been observed in individual(s) with dilated cardiomyopathy (Invitae). This variant is located in the A band of TTN (PMID: 25589632). Truncating variants in this region are significantly overrepresented in patients affected with dilated cardiomyopathy (PMID: 25589632). Truncating variants in this region have also been reported in individuals affected with autosomal recessive centronuclear myopathy (PMID: 23975875).

Ambry Genetics
Classification: Likely pathogenic for Cardiovascular phenotype. Last evaluated: 2016-08-23. Review status: criteria provided, single submitter. Criteria: Ambry General Variant Classification Scheme_2022. Collection method: clinical testing. Allele origin: germline. Observed: 1 variant allele.
Comment: The c.43015_43028delGAATGTAACAGATAins10 variant, located in coding exon 153 of the TTN gene, results from the deletion of 14 nucleotides and insertion of 10 nucleotides causing a translational frameshift with a predicted alternate stop codon (p.E14339Ffs*11). This alteration is located in the A-band region of the N2-B isoform of the titin protein. Truncating alterations in TTN have been observed at a significantly higher frequency among patients with dilated cardiomyopathy (DCM), or 54/203 (27%), compared to patients with hypertrophic cardiomyopathy (3 of 231, 1%, P=3x10-16) and healthy controls (7 of 249, 3%, P=9x10-14). Among families with multiple relatives with DCM, studies also provided strong data demonstrating segregation of TTN truncations with disease (Herman DS et al. N Engl J Med. 2012;366(7):619-28; Pugh TJ et al. Genet Med. 2014;16(8):601-8). This alteration is expected to result in loss of function by premature protein truncation or nonsense-mediated mRNA decay. However, loss of function of TTN has not been clearly established as a mechanism of disease. As such, this variant is classified as likely pathogenic.

Literature cited by the submitters: PubMed 25589632 (cited by Labcorp Genetics (formerly Invitae), Labcorp); PubMed 23975875 (cited by Labcorp Genetics (formerly Invitae), Labcorp).